The following is an entry in ClinVar:

ClinVar aggregate classification (germline): Uncertain significance (1 of 4 stars; one submission).

Conditions:
Developmental and epileptic encephalopathy, 1 (DEE1). Also called: INFANTILE SPASM SYNDROME, X-LINKED 1; Epileptic encephalopathy, early infantile, 1; X-linked infantile spasms; West's syndrome; Tonic spasms with clustering, arrest of psychomotor development and hypsarrhythmia on EEG; X-Linked Infantile Spasm Syndrome. Identifiers: MedGen C3463992, MONDO:0010632, OMIM 308350. Disease mechanism: loss of function.
Autosomal recessive spinocerebellar ataxia 12. Also called: SPINOCEREBELLAR ATAXIA WITH MENTAL RETARDATION AND EPILEPSY. Identifiers: Orphanet 284282, MedGen C3280452, MONDO:0013687, OMIM 614322.

gnomAD v4.1: 57 of 1,614,104 alleles (0.0035%); highest among the groups gnomAD compares: African/African-American, 0.015%; no homozygotes.

Submission:

Labcorp Genetics (formerly Invitae), Labcorp
Classification: Uncertain significance for Developmental and epileptic encephalopathy, 1; Autosomal recessive spinocerebellar ataxia 12. Last evaluated: 2022-08-19. Review status: criteria provided, single submitter. Criteria: Invitae Variant Classification Sherloc (09022015). Collection method: clinical testing. Allele origin: germline.
Comment: This sequence change replaces glutamic acid, which is acidic and polar, with lysine, which is basic and polar, at codon 391 of the WWOX protein (p.Glu391Lys). This variant is present in population databases (rs375757102, gnomAD 0.05%). This variant has not been reported in the literature in individuals affected with WWOX-related conditions. ClinVar contains an entry for this variant (Variation ID: 540238). Algorithms developed to predict the effect of missense changes on protein structure and function are either unavailable or do not agree on the potential impact of this missense change (SIFT: "Not Available"; PolyPhen-2: "Benign"; Align-GVGD: "Not Available"). In summary, the available evidence is currently insufficient to determine the role of this variant in disease. Therefore, it has been classified as a Variant of Uncertain Significance.

NM_016373.4(WWOX):c.1171G>A (p.Glu391Lys)

Genes: MAF (MAF bZIP transcription factor; minus strand), WWOX (WW domain containing oxidoreductase; plus strand). Cytogenetic location: 16q23.2.
Variant type: single nucleotide variant.
Coding change: c.1171G>A on transcript NM_016373.4 (MANE Select); coding-DNA position 1171, G replaced by A.
Protein change: p.Glu391Lys; replaces glutamic acid 391 with lysine.
Molecular consequence: missense variant.
Genome position (GRCh38, 1-based): chr16:79,211,722, G>A. VCF-style: chr16-79211722-G-A. GRCh37 (hg19) VCF-style: chr16-79245619-G-A.
Other names: c.832G>A, p.Glu278Lys (NM_001291997.2); short protein forms E391K, E278K.
Identifiers: ClinVar variation 540238 (VCV000540238.6), dbSNP rs375757102, ClinGen allele CA8183771.